The following is an entry in ClinVar:

NM_004329.3(BMPR1A):c.438T>G (p.Phe146Leu)

Gene: BMPR1A (bone morphogenetic protein receptor type 1A; plus strand). Cytogenetic location: 10q23.2.
Variant type: single nucleotide variant.
Coding change: c.438T>G on transcript NM_004329.3 (MANE Select); coding-DNA position 438, T replaced by G.
Protein change: p.Phe146Leu; replaces phenylalanine 146 with leucine.
Molecular consequence: missense variant.
Genome position (GRCh38, 1-based): chr10:86,900,034, T>G. VCF-style: chr10-86900034-T-G. GRCh37 (hg19) VCF-style: chr10-88659791-T-G.
Other names: short protein forms F146L.
Identifiers: ClinVar variation 567736 (VCV000567736.17), dbSNP rs1564717849, ClinGen allele CA377450088.
Genomic context (GRCh38, chr10:86,900,034, plus strand): 5'-CGTCAGATTATTTTTTCATTTCAATTGTTTACATTGTTTACTTTTATTGTCAGGTCCGTT[T>G]TTTGATGGCAGCATTCGATGGCTGGTTTTGCTCATTTCTATGGCTGTCTGCATAATTGCT-3'
Protein context (NP_004320.2, residues 136-156): PTLPPVVIGP[Phe146Leu]FDGSIRWLVL

ClinVar aggregate classification (germline): Uncertain significance. Review status: criteria provided, multiple submitters, no conflicts (2 of 4 stars). 3 submissions from 3 submitters: Uncertain significance (3). Last evaluated 2025-07-11.

Conditions:
Juvenile polyposis syndrome (JPS). Identifiers: Orphanet 2929, MedGen C0345893, MONDO:0017380, OMIM 174900.
Hereditary cancer-predisposing syndrome. Also called: Neoplastic Syndromes, Hereditary; Tumor predisposition; Hereditary Cancer Syndrome; Hereditary neoplastic syndrome. Identifiers: Orphanet 140162, MedGen C0027672, MeSH D009386, MONDO:0015356.

Submissions (3):

Ambry Genetics
Classification: Uncertain significance for Hereditary cancer-predisposing syndrome. Last evaluated: 2025-07-11. Review status: criteria provided, single submitter. Criteria: Ambry Variant Classification Scheme 2023. Collection method: clinical testing. Allele origin: germline.
Comment: The p.F146L variant (also known as c.438T>G), located in coding exon 5 of the BMPR1A gene, results from a T to G substitution at nucleotide position 438. The phenylalanine at codon 146 is replaced by leucine, an amino acid with highly similar properties. This amino acid position is well conserved in available vertebrate species. In addition, this alteration is predicted to be tolerated by in silico analysis. Since supporting evidence is limited at this time, the clinical significance of this alteration remains unclear.

Color Diagnostics, LLC DBA Color Health
Classification: Uncertain significance for Hereditary cancer-predisposing syndrome. Last evaluated: 2024-03-06. Review status: criteria provided, single submitter. Criteria: ACMG Guidelines, 2015. Collection method: clinical testing. Allele origin: germline.
Comment: This missense variant replaces phenylalanine with leucine at codon 146 of the BMPR1A protein. Computational prediction tool suggests that this variant may not impact protein structure and function (internally defined REVEL score threshold <=0.5, PMID: 27666373). Splice site prediction tools suggest that this variant may not impact RNA splicing. To our knowledge, functional studies have not been performed for this variant. This variant has not been reported in individuals affected with hereditary cancer in the literature. This variant has not been identified in the general population by the Genome Aggregation Database (gnomAD). The available evidence is insufficient to determine the role of this variant in disease conclusively. Therefore, this variant is classified as a Variant of Uncertain Significance.

Labcorp Genetics (formerly Invitae), Labcorp
Classification: Uncertain significance for Juvenile polyposis syndrome. Last evaluated: 2018-05-29. Review status: criteria provided, single submitter. Criteria: Invitae Variant Classification Sherloc (09022015). Collection method: clinical testing. Allele origin: germline.
Comment: In summary, the available evidence is currently insufficient to determine the role of this variant in disease. Therefore, it has been classified as a Variant of Uncertain Significance. Algorithms developed to predict the effect of missense changes on protein structure and function (SIFT, PolyPhen-2, Align-GVGD) all suggest that this variant is likely to be tolerated, but these predictions have not been confirmed by published functional studies and their clinical significance is uncertain. This variant has not been reported in the literature in individuals with BMPR1A-related disease. This variant is not present in population databases (ExAC no frequency). This sequence change replaces phenylalanine with leucine at codon 146 of the BMPR1A protein (p.Phe146Leu). The phenylalanine residue is weakly conserved and there is a small physicochemical difference between phenylalanine and leucine.